The following is an entry in ClinVar:

NM_004064.5(CDKN1B):c.392T>A (p.Val131Glu)

Gene: CDKN1B (cyclin dependent kinase inhibitor 1B; plus strand). Cytogenetic location: 12p13.1.
Variant type: single nucleotide variant.
Coding change: c.392T>A on transcript NM_004064.5 (MANE Select); coding-DNA position 392, T replaced by A.
Protein change: p.Val131Glu; replaces valine 131 with glutamic acid.
Molecular consequence: missense variant.
Genome position (GRCh38, 1-based): chr12:12,718,231, T>A. VCF-style: chr12-12718231-T-A. GRCh37 (hg19) VCF-style: chr12-12871165-T-A.
Other names: short protein forms V131E.
Identifiers: ClinVar variation 2462081 (VCV002462081.2), dbSNP rs1219626593, ClinGen allele CA383970579.

ClinVar aggregate classification (germline): Uncertain significance (1 of 4 stars; one submission).

Conditions:
Hereditary cancer-predisposing syndrome. Also called: Neoplastic Syndromes, Hereditary; Hereditary neoplastic syndrome; Tumor predisposition; Hereditary Cancer Syndrome. Identifiers: Orphanet 140162, MedGen C0027672, MeSH D009386, MONDO:0015356.

Submission:

Ambry Genetics
Classification: Uncertain significance for Hereditary cancer-predisposing syndrome. Last evaluated: 2022-11-17. Review status: criteria provided, single submitter. Criteria: Ambry Variant Classification Scheme 2023. Collection method: clinical testing. Allele origin: germline.
Comment: The p.V131E variant (also known as c.392T>A), located in coding exon 1 of the CDKN1B gene, results from a T to A substitution at nucleotide position 392. The valine at codon 131 is replaced by glutamic acid, an amino acid with dissimilar properties. This amino acid position is conserved. In addition, this alteration is predicted to be tolerated by in silico analysis. Since supporting evidence is limited at this time, the clinical significance of this alteration remains unclear.